The following is an entry in ClinVar:

ClinVar aggregate classification (germline): Likely pathogenic (1 of 4 stars; one submission).

Conditions:
Hereditary breast ovarian cancer syndrome. Also called: BRCA1- and BRCA2-Associated Hereditary Breast and Ovarian Cancer; Hereditary breast and ovarian cancer; Hereditary breast and ovarian cancer syndrome (HBOC); Hereditary breast and/or ovarian cancer syndrome; Hereditary breast and ovarian cancer syndrome; Breast and ovarian cancer. Identifiers: Orphanet 145, MedGen C0677776, MeSH D061325, MONDO:0003582. Disease mechanism: loss of function.

Submission:

Genetics and Personalized Medicine Clinic, Tartu University Hospital
Classification: Likely pathogenic for Hereditary breast ovarian cancer syndrome. Last evaluated: 2022-01-01. Review status: criteria provided, single submitter. Criteria: ACMG Guidelines, 2015. Collection method: clinical testing. Allele origin: germline. Affected: yes. Observed: 1 variant allele.
Comment: This deletion causes a frameshift p.(Asn1678Serfs*4), predicted to result in premature truncation and nonsense-mediated decay. BRCA1 loss-of-function is a well-established mechanism for hereditary breast and ovarian cancer (PVS1).

NM_007294.4(BRCA1):c.5032_5033del (p.Asn1678fs)

Gene: BRCA1 (BRCA1 DNA repair associated; minus strand). Cytogenetic location: 17q21.31.
Variant type: Deletion.
Coding change: c.5032_5033del on transcript NM_007294.4 (MANE Select); coding-DNA positions 5032 to 5033, 2 bases deleted (AA; older notation c.5032_5033delAA).
Protein change: p.Asn1678fs; shifts the reading frame from asparagine 1678.
Molecular consequence: frameshift variant. On other transcripts: intron variant (1).
Genome position (GRCh38, 1-based): chr17:43,067,649-43,067,650, TT deleted on the plus strand (AA on the coding strand, the reverse complement: BRCA1 is on the minus strand). VCF-style (leftmost placement, unchanged base first): chr17-43067648-ATT-A. GRCh37 (hg19) VCF-style: chr17-41219665-ATT-A.
Other names: c.5032_5033del, p.Asn1678fs (NM_001407593.1, NM_001407594.1, NM_001407596.1 and 8 more transcripts); c.5029_5030del, p.Asn1677fs (NM_001407619.1, NM_001407620.1, NM_001407621.1 and 17 more transcripts); c.5026_5027del, p.Asn1676fs (NM_001407637.1, NM_001407638.1, NM_001407639.1 and 14 more transcripts); c.5023_5024del, p.Asn1675fs (NM_001407644.1, NM_001407645.1); c.4951_4952del, p.Asn1651fs (NM_001407658.1, NM_001407656.1, NM_001407657.1); c.4948_4949del, p.Asn1650fs (NM_001407659.1, NM_001407660.1, NM_001407661.1 and 2 more transcripts); c.4909_4910del, p.Asn1637fs (NM_001407664.1, NM_001407665.1, NM_001407666.1 and 6 more transcripts); c.1789_1790del, p.Asn597fs (NM_001407971.1, NM_001407970.1); and 71 more; short protein forms N1381fs, N1382fs, N1509fs, N1524fs, N1549fs, N1550fs, N1551fs, N1565fs.
Identifiers: ClinVar variation 4082387 (VCV004082387.1).